The following is an entry in ClinVar:

NM_198428.3(BBS9):c.2365A>G (p.Lys789Glu)

Gene: BBS9 (Bardet-Biedl syndrome 9; plus strand). Cytogenetic location: 7p14.3.
Variant type: single nucleotide variant.
Coding change: c.2365A>G on transcript NM_198428.3 (MANE Select); coding-DNA position 2365, A replaced by G.
Protein change: p.Lys789Glu; replaces lysine 789 with glutamic acid.
Molecular consequence: missense variant. On other transcripts: non-coding transcript variant (3).
Genome position (GRCh38, 1-based): chr7:33,534,020, A>G. VCF-style: chr7-33534020-A-G. GRCh37 (hg19) VCF-style: chr7-33573632-A-G.
Other names: c.2260A>G, p.Lys754Glu (NM_001033604.2); c.2350A>G, p.Lys784Glu (NM_001033605.2); c.2365A>G, p.Lys789Glu (NM_001348036.1, NM_001348041.4, NM_001348043.3 and 1 more transcripts); c.1816A>G, p.Lys606Glu (NM_001348037.3); c.2092A>G, p.Lys698Glu (NM_001348038.3); c.1987A>G, p.Lys663Glu (NM_001348039.3); c.2245A>G, p.Lys749Glu (NM_001348040.3, NM_014451.4); c.2230A>G, p.Lys744Glu (NM_001348042.3); and 2 more; short protein forms K606E, K632E, K754E, K784E, K663E, K744E, K698E, K749E.
Identifiers: ClinVar variation 971120 (VCV000971120.8), dbSNP rs1402083567, ClinGen allele CA367256821.

ClinVar aggregate classification (germline): Uncertain significance. Review status: criteria provided, multiple submitters, no conflicts (2 of 4 stars). 4 submissions from 4 submitters: Uncertain significance (4). Last evaluated 2026-04-06.

Conditions:
BBS9-related disorder. Also called: BBS9-related condition.
Bardet-Biedl syndrome (BBS). Identifiers: Orphanet 110, MedGen C0752166, MONDO:0015229.
Inborn genetic diseases. Identifiers: MedGen C0950123, MeSH D030342.
Bardet-Biedl syndrome 9 (BBS9). Identifiers: Orphanet 110, MedGen C1859567, MONDO:0014437, OMIM 615986.

Allele frequency attached by ClinVar (database versions not stated): gnomAD exomes below 0.00001; gnomAD 0.00001; TOPMed 0.00002.
gnomAD v4.1: 7 of 1,614,094 alleles (0.00043%); highest among the groups gnomAD compares: Admixed American, 0.0017%; no homozygotes.

Submissions (4):

PreventionGenetics, part of Exact Sciences
Classification: Uncertain significance for BBS9-related condition. Last evaluated: 2026-04-06. Review status: criteria provided, single submitter. Criteria: ACMG Guidelines, 2015. Collection method: clinical testing. Allele origin: germline.
Comment: The BBS9 c.2365A>G variant is predicted to result in the amino acid substitution p.Lys789Glu. To our knowledge, this variant has not been reported in the literature. This variant is reported in 0.00088% of alleles in individuals of European (Non-Finnish) descent in gnomAD. At this time, the clinical significance of this variant is uncertain due to the absence of conclusive functional and genetic evidence.

Labcorp Genetics (formerly Invitae), Labcorp
Classification: Uncertain significance for Bardet-Biedl syndrome. Last evaluated: 2022-08-22. Review status: criteria provided, single submitter. Criteria: Invitae Variant Classification Sherloc (09022015). Collection method: clinical testing. Allele origin: germline.
Comment: This sequence change replaces lysine, which is basic and polar, with glutamic acid, which is acidic and polar, at codon 789 of the BBS9 protein (p.Lys789Glu). This variant is present in population databases (no rsID available, gnomAD 0.0009%). This variant has not been reported in the literature in individuals affected with BBS9-related conditions. ClinVar contains an entry for this variant (Variation ID: 971120). Algorithms developed to predict the effect of missense changes on protein structure and function are either unavailable or do not agree on the potential impact of this missense change (SIFT: "Deleterious"; PolyPhen-2: "Possibly Damaging"; Align-GVGD: "Class C0"). In summary, the available evidence is currently insufficient to determine the role of this variant in disease. Therefore, it has been classified as a Variant of Uncertain Significance.

Ambry Genetics
Classification: Uncertain significance for Inborn genetic diseases. Last evaluated: 2022-02-24. Review status: criteria provided, single submitter. Criteria: Ambry Variant Classification Scheme 2023. Collection method: clinical testing. Allele origin: germline.

Fulgent Genetics
Classification: Uncertain significance for Bardet-Biedl syndrome 9. Last evaluated: 2021-08-03. Review status: criteria provided, single submitter. Criteria: ACMG Guidelines, 2015. Collection method: clinical testing. Allele origin: unknown.